The following is an entry in ClinVar:

ClinVar aggregate classification (germline): Likely pathogenic (1 of 4 stars; one submission).

Submission:

GeneDx
Classification: Likely pathogenic. Last evaluated: 2025-04-21. Review status: criteria provided, single submitter. Criteria: GeneDx Variant Classification Process June 2021. Collection method: clinical testing. Allele origin: germline. Affected: yes.
Comment: Nonsense variant predicted to result in protein truncation or nonsense mediated decay in a gene for which loss of function is a known mechanism of disease; Not observed at significant frequency in large population cohorts (gnomAD); Has not been previously published as pathogenic or benign to our knowledge

NM_006060.6(IKZF1):c.622C>T (p.Arg208Ter)

Gene: IKZF1 (IKAROS family zinc finger 1; plus strand). Cytogenetic location: 7p12.2.
Variant type: single nucleotide variant.
Coding change: c.622C>T on transcript NM_006060.6 (MANE Select); coding-DNA position 622, C replaced by T.
Protein change: p.Arg208Ter; replaces arginine 208 with a stop codon.
Molecular consequence: nonsense. On other transcripts: intron variant (9).
Genome position (GRCh38, 1-based): chr7:50,387,377, C>T. VCF-style: chr7-50387377-C-T. GRCh37 (hg19) VCF-style: chr7-50455075-C-T.
Other names: c.361C>T, p.Arg121Ter (NM_001220767.2, NM_001291838.2); c.193C>T, p.Arg65Ter (NM_001291841.1, NM_001291842.1); c.682C>T, p.Arg228Ter (NM_001410879.1); c.329-4352C>T (NM_001291839.2, NM_001220770.2); c.590-4352C>T (NM_001220765.3, NM_001291837.2); c.589+4670C>T (NM_001220768.2); c.421+10584C>T (NM_001220771.2); c.161-4352C>T (NM_001291843.1, NM_001291844.1); and 2 more; short protein forms R121*, R208*, R228*, R65*.
Identifiers: ClinVar variation 4527005 (VCV004527005.1).
Genomic context (GRCh38, chr7:50,387,377, plus strand): 5'-GTCTTGAACTCAATTGTGTTTTCTGCAGTTGGTAAACCTCACAAATGTGGATATTGTGGC[C>T]GAAGCTATAAACAGCGAAGCTCTTTAGAGGAACATAAAGAGCGCTGCCACAACTACTTGG-3'